The following is an entry in ClinVar:

NM_000179.3(MSH6):c.103G>A (p.Ala35Thr)

Gene: MSH6 (mutS homolog 6; plus strand). Cytogenetic location: 2p16.3.
Variant type: single nucleotide variant.
Coding change: c.103G>A on transcript NM_000179.3 (MANE Select); coding-DNA position 103, G replaced by A.
Protein change: p.Ala35Thr; replaces alanine 35 with threonine.
Molecular consequence: missense variant. On other transcripts: 5 prime UTR variant (1).
Genome position (GRCh38, 1-based): chr2:47,783,336, G>A. VCF-style: chr2-47783336-G-A. GRCh37 (hg19) VCF-style: chr2-48010475-G-A.
Other names: c.103G>A, p.Ala35Thr (NM_001281492.2); c.-634G>A (NM_001281493.2); short protein forms A35T.
Identifiers: ClinVar variation 818296 (VCV000818296.10), dbSNP rs1572698023, ClinGen allele CA346734836.
Genomic context (GRCh38, chr2:47,783,336, plus strand): 5'-CCGGCGCTGAGTGATGCCAACAAGGCCTCGGCCAGGGCCTCACGCGAAGGCGGCCGTGCC[G>A]CCGCTGCCCCCGGGGCCTCTCCTTCCCCAGGCGGGGATGCGGCCTGGAGCGAGGCTGGGC-3'
Protein context (NP_000170.1, residues 25-45): ARASREGGRA[Ala35Thr]AAPGASPSPG

ClinVar aggregate classification (germline): Conflicting classifications of pathogenicity. Review status: criteria provided, conflicting classifications (1 of 4 stars). 2 submissions from 2 submitters: Uncertain significance (1); Likely benign (1). Last evaluated 2024-02-06.

Conditions:
Hereditary nonpolyposis colorectal neoplasms. Identifiers: MedGen C0009405, MeSH D003123.
Hereditary cancer-predisposing syndrome. Also called: Tumor predisposition; Hereditary neoplastic syndrome; Neoplastic Syndromes, Hereditary; Hereditary Cancer Syndrome. Identifiers: Orphanet 140162, MedGen C0027672, MeSH D009386, MONDO:0015356.

Submissions (2):

Ambry Genetics
Classification: Likely benign for Hereditary cancer-predisposing syndrome. Last evaluated: 2024-02-06. Review status: criteria provided, single submitter. Criteria: Ambry Variant Classification Scheme 2023. Collection method: clinical testing. Allele origin: germline.

Labcorp Genetics (formerly Invitae), Labcorp
Classification: Uncertain significance for Hereditary nonpolyposis colorectal neoplasms. Last evaluated: 2021-09-23. Review status: criteria provided, single submitter. Criteria: Invitae Variant Classification Sherloc (09022015). Collection method: clinical testing. Allele origin: germline.
Comment: This sequence change replaces alanine with threonine at codon 35 of the MSH6 protein (p.Ala35Thr). The alanine residue is weakly conserved and there is a small physicochemical difference between alanine and threonine. This variant is not present in population databases (ExAC no frequency). This variant has not been reported in the literature in individuals affected with MSH6-related conditions. ClinVar contains an entry for this variant (Variation ID: 818296). Advanced modeling of protein sequence and biophysical properties (such as structural, functional, and spatial information, amino acid conservation, physicochemical variation, residue mobility, and thermodynamic stability) performed at Invitae indicates that this missense variant is not expected to disrupt MSH6 protein function. In summary, the available evidence is currently insufficient to determine the role of this variant in disease. Therefore, it has been classified as a Variant of Uncertain Significance.